The following is an entry in ClinVar:

NM_001009999.3(KDM1A):c.2584C>T (p.Arg862Cys)

Gene: KDM1A (lysine demethylase 1A; plus strand). Cytogenetic location: 1p36.12.
Variant type: single nucleotide variant.
Coding change: c.2584C>T on transcript NM_001009999.3 (MANE Select); coding-DNA position 2584, C replaced by T.
Protein change: p.Arg862Cys; replaces arginine 862 with cysteine.
Molecular consequence: missense variant. On other transcripts: 3 prime UTR variant (1).
Genome position (GRCh38, 1-based): chr1:23,083,317, C>T. VCF-style: chr1-23083317-C-T. GRCh37 (hg19) VCF-style: chr1-23409810-C-T.
Other names: c.2530C>T, p.Arg844Cys (NM_001363654.2); c.2590C>T, p.Arg864Cys (NM_001410762.1); c.*832C>T (NM_001410763.1); c.2512C>T, p.Arg838Cys (NM_015013.4); short protein forms R862C, R864C, R838C, R844C.
Identifiers: ClinVar variation 3532916 (VCV003532916.3).

ClinVar aggregate classification (germline): Uncertain significance. Review status: criteria provided, multiple submitters, no conflicts (2 of 4 stars). 2 submissions from 2 submitters: Uncertain significance (2). Last evaluated 2024-11-22.

Conditions:
Inborn genetic diseases. Identifiers: MedGen C0950123, MeSH D030342.

gnomAD v4.1: 10 of 1,613,674 alleles (0.00062%); highest among the groups gnomAD compares: Admixed American, 0.0033%; no homozygotes.

Submissions (2):

Ambry Genetics
Classification: Uncertain significance for Inborn genetic diseases. Last evaluated: 2024-11-22. Review status: criteria provided, single submitter. Criteria: Ambry Variant Classification Scheme 2023. Collection method: clinical testing. Allele origin: germline.
Comment: The p.R862C variant (also known as c.2584C>T), located in coding exon 21 of the KDM1A gene, results from a C to T substitution at nucleotide position 2584. The arginine at codon 862 is replaced by cysteine, an amino acid with highly dissimilar properties. This amino acid position is conserved. In addition, the in silico prediction for this alteration is inconclusive. Based on the available evidence, the clinical significance of this variant remains unclear.

Labcorp Genetics (formerly Invitae), Labcorp
Classification: Uncertain significance. Last evaluated: 2024-02-11. Review status: criteria provided, single submitter. Criteria: Invitae Variant Classification Sherloc (09022015). Collection method: clinical testing. Allele origin: germline.
Comment: This sequence change replaces arginine, which is basic and polar, with cysteine, which is neutral and slightly polar, at codon 862 of the KDM1A protein (p.Arg862Cys). This variant is present in population databases (rs779514366, gnomAD 0.003%). This variant has not been reported in the literature in individuals affected with KDM1A-related conditions. An algorithm developed to predict the effect of missense changes on protein structure and function (PolyPhen-2) suggests that this variant is likely to be disruptive. In summary, the available evidence is currently insufficient to determine the role of this variant in disease. Therefore, it has been classified as a Variant of Uncertain Significance.